The following is an entry in ClinVar:

NM_001190274.2(FBXO11):c.56C>T (p.Pro19Leu)

Genes: FBXO11 (F-box protein 11; minus strand), LOC100506235 (uncharacterized LOC100506235; plus strand). Cytogenetic location: 2p16.3.
Variant type: single nucleotide variant.
Coding change: c.56C>T on transcript NM_001190274.2 (MANE Select); coding-DNA position 56, C replaced by T.
Protein change: p.Pro19Leu; replaces proline 19 with leucine.
Molecular consequence: missense variant. On other transcripts: non-coding transcript variant (1).
Genome position (GRCh38, 1-based): chr2:47,905,665, G>A on the plus strand (C>T on the coding strand, the complement: FBXO11 is on the minus strand). VCF-style: chr2-47905665-G-A. GRCh37 (hg19) VCF-style: chr2-48132804-G-A.
Other names: short protein forms P19L.
Identifiers: ClinVar variation 2135510 (VCV002135510.4), dbSNP rs1572943731, ClinGen allele CA346813025.

ClinVar aggregate classification (germline): Uncertain significance (1 of 4 stars; one submission).

Submission:

Labcorp Genetics (formerly Invitae), Labcorp
Classification: Uncertain significance. Last evaluated: 2022-11-15. Review status: criteria provided, single submitter. Criteria: Invitae Variant Classification Sherloc (09022015). Collection method: clinical testing. Allele origin: germline.
Comment: In summary, the available evidence is currently insufficient to determine the role of this variant in disease. Therefore, it has been classified as a Variant of Uncertain Significance. Algorithms developed to predict the effect of missense changes on protein structure and function are either unavailable or do not agree on the potential impact of this missense change (SIFT: "Tolerated"; PolyPhen-2: "Not Available"; Align-GVGD: "Class C0"). This variant has not been reported in the literature in individuals affected with FBXO11-related conditions. This variant is not present in population databases (gnomAD no frequency). This sequence change replaces proline, which is neutral and non-polar, with leucine, which is neutral and non-polar, at codon 19 of the FBXO11 protein (p.Pro19Leu).